The following is an entry in ClinVar:

NM_000552.5(VWF):c.7730-177G>T

Gene: VWF (von Willebrand factor; minus strand). Cytogenetic location: 12p13.31.
Variant type: single nucleotide variant.
Coding change: c.7730-177G>T on transcript NM_000552.5 (MANE Select); 177 bases into the intron before coding-DNA position 7730, G replaced by T.
Molecular consequence: intron variant.
Genome position (GRCh38, 1-based): chr12:5,968,344, C>A on the plus strand (G>T on the coding strand, the complement: VWF is on the minus strand). VCF-style: chr12-5968344-C-A. GRCh37 (hg19) VCF-style: chr12-6077510-C-A.
Identifiers: ClinVar variation 1678781 (VCV001678781.2), dbSNP rs573460498, ClinGen allele CA232280821.

ClinVar aggregate classification (germline): Likely benign (1 of 4 stars; one submission).

Allele frequency attached by ClinVar (database versions not stated): 1000 Genomes Project 30x 0.00031.
gnomAD v4.1: 782 of 661,644 alleles (0.12%); highest among the groups gnomAD compares: Middle Eastern, 0.21%; 2 homozygotes.

Submission:

GeneDx
Classification: Likely benign. Last evaluated: 2021-05-27. Review status: criteria provided, single submitter. Criteria: GeneDx Variant Classification Process June 2021. Collection method: clinical testing. Allele origin: germline. Affected: yes.
Comment: See Variant Classification Assertion Criteria.